The following is an entry in ClinVar:

ClinVar aggregate classification (germline): Likely pathogenic (1 of 4 stars; one submission).

Submission:

Labcorp Genetics (formerly Invitae), Labcorp
Classification: Likely pathogenic. Last evaluated: 2020-08-20. Review status: criteria provided, single submitter. Criteria: Invitae Variant Classification Sherloc (09022015). Collection method: clinical testing. Allele origin: germline.
Comment: This variant has not been reported in the literature in individuals with GLE1-related conditions. Algorithms developed to predict the effect of sequence changes on RNA splicing suggest that this variant may disrupt the consensus splice site, but this prediction has not been confirmed by published transcriptional studies. Donor and acceptor splice site variants typically lead to a loss of protein function (PMID: 16199547), and loss-of-function variants in GLE1 are known to be pathogenic (PMID: 18204449, 24243016, 27684565). In summary, the currently available evidence indicates that the variant is pathogenic, but additional data are needed to prove that conclusively. Therefore, this variant has been classified as Likely Pathogenic. This variant is not present in population databases (ExAC no frequency). This sequence change affects a donor splice site in intron 3 of the GLE1 gene. It is expected to disrupt RNA splicing and likely results in an absent or disrupted protein product.

Literature cited by the submitters: PubMed 16199547; PubMed 18204449; PubMed 24243016; PubMed 27684565.

NM_001003722.2(GLE1):c.432+2T>C

Gene: GLE1 (GLE1 RNA export mediator; plus strand). Cytogenetic location: 9q34.11.
Variant type: single nucleotide variant.
Coding change: c.432+2T>C on transcript NM_001003722.2 (MANE Select); the canonical splice donor site of the intron after coding-DNA position 432, T replaced by C.
Molecular consequence: splice donor variant.
Genome position (GRCh38, 1-based): chr9:128,515,641, T>C. VCF-style: chr9-128515641-T-C. GRCh37 (hg19) VCF-style: chr9-131277920-T-C.
Other names: c.432+2T>C (NM_001499.2, NM_001411013.1).
Identifiers: ClinVar variation 1067281 (VCV001067281.7), dbSNP rs2132430658, ClinGen allele CA375035964.
Genomic context (GRCh38, chr9:128,515,641, plus strand): 5'-GGATCAAAGTGGAAGGCTGCGTCCGAATGTACGAACTGGTACACAGAATGAAAGGAACAG[T>C]AAGTGAACCCATGAAGGAAGGCAGCCTTGATCCTGCGAGCCACATTTAACTGCAGTTCCC-3'